The following is an entry in ClinVar:

NM_001040716.2(PC):c.2185del (p.Glu729fs)

Gene: PC (pyruvate carboxylase; minus strand). Cytogenetic location: 11q13.2.
Variant type: Deletion.
Coding change: c.2185del on transcript NM_001040716.2 (MANE Select); coding-DNA position 2185, one base deleted (G; older notation c.2185delG).
Protein change: p.Glu729fs; shifts the reading frame from glutamic acid 729.
Molecular consequence: frameshift variant.
Genome position (GRCh38, 1-based): chr11:66,851,078, C deleted on the plus strand (G on the coding strand, the reverse complement: PC is on the minus strand). VCF-style (leftmost placement, unchanged base first): chr11-66851077-TC-T. GRCh37 (hg19) VCF-style: chr11-66618548-TC-T.
Other names: c.2185del, p.Glu729fs (NM_000920.4, NM_022172.3); short protein forms E729fs.
Identifiers: ClinVar variation 1724956 (VCV001724956.2), dbSNP rs2495450786, ClinGen allele CA2580084591.

ClinVar aggregate classification (germline): Likely pathogenic (1 of 4 stars; one submission).

Conditions:
Pyruvate carboxylase deficiency. Also called: ATAXIA WITH LACTIC ACIDOSIS II; LEIGH NECROTIZING ENCEPHALOPATHY DUE TO PYRUVATE CARBOXYLASE DEFICIENCY; LEIGH SYNDROME DUE TO PYRUVATE CARBOXYLASE DEFICIENCY; PC DEFICIENCY; Pyruvate Carboxylase Deficiency Disease. Identifiers: Orphanet 3008, MedGen C0034341, MONDO:0009949, OMIM 266150.

Submission:

Myriad Genetics, Inc.
Classification: Likely pathogenic for Pyruvate carboxylase deficiency. Last evaluated: 2022-03-03. Review status: criteria provided, single submitter. Criteria: Myriad Women's Health Autosomal Recessive and X-Linked Classification Criteria (2021). Collection method: clinical testing. Allele origin: unknown.
Comment: NM_000920.3(PC):c.2185delG(E729Sfs*19) is expected to be pathogenic in the context of pyruvate carboxylase deficiency. This variant is predicted to lead to an abnormal or absent protein product due to the creation of a premature termination codon in PC, a gene where loss-of-function variants are known to be pathogenic. Please note: this variant was assessed in the context of healthy population screening.